The following is an entry in ClinVar:

NM_000368.5(TSC1):c.1433A>G (p.Glu478Gly)

Gene: TSC1 (TSC complex subunit 1; minus strand). Cytogenetic location: 9q34.13.
Variant type: single nucleotide variant.
Coding change: c.1433A>G on transcript NM_000368.5 (MANE Select); coding-DNA position 1433, A replaced by G.
Protein change: p.Glu478Gly; replaces glutamic acid 478 with glycine.
Molecular consequence: missense variant.
Genome position (GRCh38, 1-based): chr9:132,906,736, T>C on the plus strand (A>G on the coding strand, the complement: TSC1 is on the minus strand). VCF-style: chr9-132906736-T-C. GRCh37 (hg19) VCF-style: chr9-135782123-T-C.
Other names: c.1430A>G, p.Glu477Gly (NM_001162426.2); c.1280A>G, p.Glu427Gly (NM_001162427.2); c.1070A>G, p.Glu357Gly (NM_001362177.2); short protein forms E478G, E427G, E477G, E357G.
Identifiers: ClinVar variation 48781 (VCV000048781.6), dbSNP rs118203529, ClinGen allele CA004807.

ClinVar aggregate classification (germline): Uncertain significance. Review status: criteria provided, single submitter (1 of 4 stars). 2 submissions from 2 submitters: Uncertain significance (1). 1 of the submissions does not count toward it. Last evaluated 2022-06-08.

Conditions:
Tuberous sclerosis syndrome (TSC). Also called: Tuberous Sclerosis Complex; Tuberous sclerosis. Identifiers: Orphanet 805, MedGen C0041341, MONDO:0001734.
Tuberous sclerosis 1 (TSC1). Identifiers: Orphanet 805, MedGen C1854465, MONDO:0008612, OMIM 191100.

Submissions (2):

Labcorp Genetics (formerly Invitae), Labcorp
Classification: Uncertain significance for Tuberous sclerosis 1. Last evaluated: 2022-06-08. Review status: criteria provided, single submitter. Criteria: Invitae Variant Classification Sherloc (09022015). Collection method: clinical testing. Allele origin: germline.
Comment: Experimental studies have shown that this missense change does not substantially affect TSC1 function (PMID: 19747374, 21309039). In summary, the available evidence is currently insufficient to determine the role of this variant in disease. Therefore, it has been classified as a Variant of Uncertain Significance. Algorithms developed to predict the effect of missense changes on protein structure and function are either unavailable or do not agree on the potential impact of this missense change (SIFT: "Deleterious"; PolyPhen-2: "Probably Damaging"; Align-GVGD: "Class C0"). ClinVar contains an entry for this variant (Variation ID: 48781). This variant has not been reported in the literature in individuals affected with TSC1-related conditions. This variant is not present in population databases (gnomAD no frequency). This sequence change replaces glutamic acid, which is acidic and polar, with glycine, which is neutral and non-polar, at codon 478 of the TSC1 protein (p.Glu478Gly).

Tuberous sclerosis database (TSC1)
No classification provided. Condition: TSC. Review status: no classification provided. Criteria: Tuberous Sclerosis Database Assertion Criteria 2015. Collection method: curation. Allele origin: germline. Affected: yes. Not counted in ClinVar's aggregate classification.

Literature cited by the submitters: PubMed 19747374 (cited by Labcorp Genetics (formerly Invitae), Labcorp); PubMed 21309039 (cited by Labcorp Genetics (formerly Invitae), Labcorp).